The following is an entry in ClinVar:

ClinVar aggregate classification (germline): Uncertain significance. Review status: criteria provided, multiple submitters, no conflicts (2 of 4 stars). 2 submissions from 2 submitters: Uncertain significance (2). Last evaluated 2025-08-19.

Conditions:
Neurodevelopmental disorder. Identifiers: MedGen C1535926, MeSH D065886, MONDO:0700092.

Submissions (2):

Victorian Clinical Genetics Services, Murdoch Childrens Research Institute
Classification: Uncertain significance for Neurodevelopmental disorder. Last evaluated: 2025-08-19. Review status: criteria provided, single submitter. Criteria: ACMG Guidelines, 2015. Collection method: clinical testing. Allele origin: germline. Affected: yes.
Comment: This variant is classified as VUS-3A. Evidence in support of pathogenic classification: Variant is absent from gnomAD (v2, v3 and v4); Missense variant in a region that is highly intolerant to missense variation (high constraint region in DECIPHER); Missense variant predicted to be damaging by in silico tool(s) or highly conserved with a major amino acid change. Additional information: Variant is predicted to result in a missense amino acid change from Arg to Trp; This variant is heterozygous; This gene is associated with autosomal dominant disease; This variant has no previous evidence of pathogenicity; No published evidence of segregation with disease has been identified for this variant; No published functional evidence has been identified for this variant; Another missense variant comparable to the one identified in this case has inconclusive previous evidence for pathogenicity. The p.(Arg308Gln) variant has been classified as a VUS by a clinical laboratory in ClinVar; The mechanism of disease for this gene is not clearly established. However, loss of function has been suggested (PMID: 37057675); Inheritance information for this variant is not currently available in this individual.

GeneDx
Classification: Uncertain significance. Last evaluated: 2025-08-06. Review status: criteria provided, single submitter. Criteria: GeneDx Variant Classification Process June 2021. Collection method: clinical testing. Allele origin: germline. Affected: yes.
Comment: Not observed at significant frequency in large population cohorts (gnomAD); In silico analysis supports that this missense variant has a deleterious effect on protein structure/function; In silico analysis suggests this variant may impact gene splicing. In the absence of RNA/functional studies, the actual effect of this sequence change is unknown.; Has not been previously published as pathogenic or benign to our knowledge

Literature cited by the submitters: PubMed 37057675 (cited by Victorian Clinical Genetics Services, Murdoch Childrens Research Institute).

NM_004789.4(LHX2):c.922C>T (p.Arg308Trp)

Gene: LHX2 (LIM homeobox 2; plus strand). Cytogenetic location: 9q33.3.
Variant type: single nucleotide variant.
Coding change: c.922C>T on transcript NM_004789.4 (MANE Select); coding-DNA position 922, C replaced by T.
Protein change: p.Arg308Trp; replaces arginine 308 with tryptophan.
Molecular consequence: missense variant.
Genome position (GRCh38, 1-based): chr9:124,021,293, C>T. VCF-style: chr9-124021293-C-T. GRCh37 (hg19) VCF-style: chr9-126783572-C-T.
Other names: c.922C>T (NM_004789.3); short protein forms R308W.
Identifiers: ClinVar variation 4532111 (VCV004532111.2).